The following is an entry in ClinVar:

ClinVar aggregate classification (germline): Uncertain significance. Review status: criteria provided, multiple submitters, no conflicts (2 of 4 stars). 5 submissions from 5 submitters: Uncertain significance (4). 1 of the submissions does not count toward it. Last evaluated 2025-01-13.

Conditions:
Cohen syndrome (COH1). Also called: Cutis verticis gyrata, retinitis pigmentosa, and sensorineural deafness; PEPPER SYNDROME. Identifiers: Orphanet 193, MedGen C0265223, MONDO:0008999, OMIM 216550.

Allele frequency attached by ClinVar (database versions not stated): gnomAD exomes below 0.00001 and 0.00001; ExAC 0.00001; TOPMed 0.00003.
gnomAD v4.1: 9 of 1,613,874 alleles (0.00056%); highest among the groups gnomAD compares: Non-Finnish European, 0.00068%; no homozygotes.

Submissions (5):

Labcorp Genetics (formerly Invitae), Labcorp
Classification: Uncertain significance for Cohen syndrome. Last evaluated: 2025-01-13. Review status: criteria provided, single submitter. Criteria: Invitae Variant Classification Sherloc (09022015). Collection method: clinical testing. Allele origin: germline.
Comment: This sequence change replaces isoleucine, which is neutral and non-polar, with valine, which is neutral and non-polar, at codon 2428 of the VPS13B protein (p.Ile2428Val). This variant is present in population databases (rs765664729, gnomAD 0.003%). This variant has not been reported in the literature in individuals affected with VPS13B-related conditions. ClinVar contains an entry for this variant (Variation ID: 1020924). Invitae Evidence Modeling of protein sequence and biophysical properties (such as structural, functional, and spatial information, amino acid conservation, physicochemical variation, residue mobility, and thermodynamic stability) indicates that this missense variant is not expected to disrupt VPS13B protein function with a negative predictive value of 80%. In summary, the available evidence is currently insufficient to determine the role of this variant in disease. Therefore, it has been classified as a Variant of Uncertain Significance.

GeneDx
Classification: Uncertain significance. Last evaluated: 2024-07-17. Review status: criteria provided, single submitter. Criteria: GeneDx Variant Classification Process June 2021. Collection method: clinical testing. Allele origin: germline. Affected: yes.
Comment: Not observed at significant frequency in large population cohorts (gnomAD); In silico analysis indicates that this missense variant does not alter protein structure/function; Has not been previously published as pathogenic or benign to our knowledge

Blueprint Genetics
Classification: Uncertain significance. Last evaluated: 2022-08-30. Review status: criteria provided, single submitter. Criteria: ACMG Guidelines, 2015. Collection method: clinical testing. Allele origin: germline.

Fulgent Genetics
Classification: Uncertain significance for Cohen syndrome. Last evaluated: 2021-12-14. Review status: criteria provided, single submitter. Criteria: ACMG Guidelines, 2015. Collection method: clinical testing. Allele origin: unknown.

Natera, Inc.
Classification: Uncertain significance for Cohen syndrome. Last evaluated: 2020-03-04. Review status: no assertion criteria provided. Collection method: clinical testing. Allele origin: germline. Not counted in ClinVar's aggregate classification.

NM_152564.5(VPS13B):c.7207A>G (p.Ile2403Val)

Gene: VPS13B (vacuolar protein sorting 13 homolog B; plus strand). Cytogenetic location: 8q22.2.
Variant type: single nucleotide variant.
Coding change: c.7207A>G on transcript NM_152564.5 (MANE Select); coding-DNA position 7207, A replaced by G.
Protein change: p.Ile2403Val; replaces isoleucine 2403 with valine.
Molecular consequence: missense variant.
Genome position (GRCh38, 1-based): chr8:99,766,930, A>G. VCF-style: chr8-99766930-A-G. GRCh37 (hg19) VCF-style: chr8-100779158-A-G.
Other names: c.7282A>G (NM_017890.3, NM_017890.4); c.7282A>G, p.Ile2428Val (NM_017890.5); short protein forms I2403V, I2428V.
Identifiers: ClinVar variation 1020924 (VCV001020924.13), dbSNP rs765664729, ClinGen allele CA4824166.